The following is an entry in ClinVar:

ClinVar aggregate classification (germline): Uncertain significance (1 of 4 stars; one submission).

Conditions:
Renal cell carcinoma. Identifiers: Orphanet 217071, MedGen C0007134, MeSH D002292, MONDO:0005086, HP:0005584.

Allele frequency attached by ClinVar (database versions not stated): gnomAD exomes below 0.00001.
gnomAD v4.1: 1 of 1,613,982 alleles (0.000062%); highest among the groups gnomAD compares: South Asian, 0.0011%; no homozygotes.

Submission:

Labcorp Genetics (formerly Invitae), Labcorp
Classification: Uncertain significance for Renal cell carcinoma. Last evaluated: 2022-07-04. Review status: criteria provided, single submitter. Criteria: Invitae Variant Classification Sherloc (09022015). Collection method: clinical testing. Allele origin: germline.
Comment: Algorithms developed to predict the effect of missense changes on protein structure and function (SIFT, PolyPhen-2, Align-GVGD) all suggest that this variant is likely to be tolerated. This variant has not been reported in the literature in individuals affected with MET-related conditions. This variant is not present in population databases (gnomAD no frequency). This sequence change replaces glutamine, which is neutral and polar, with lysine, which is basic and polar, at codon 53 of the MET protein (p.Gln53Lys). In summary, the available evidence is currently insufficient to determine the role of this variant in disease. Therefore, it has been classified as a Variant of Uncertain Significance.

NM_000245.4(MET):c.157C>A (p.Gln53Lys)

Gene: MET (MET proto-oncogene, receptor tyrosine kinase; plus strand). Cytogenetic location: 7q31.2.
Variant type: single nucleotide variant.
Coding change: c.157C>A on transcript NM_000245.4 (MANE Select); coding-DNA position 157, C replaced by A.
Protein change: p.Gln53Lys; replaces glutamine 53 with lysine.
Molecular consequence: missense variant. On other transcripts: intron variant (1).
Genome position (GRCh38, 1-based): chr7:116,699,241, C>A. VCF-style: chr7-116699241-C-A. GRCh37 (hg19) VCF-style: chr7-116339295-C-A.
Other names: c.157C>A, p.Gln53Lys (NM_001127500.3, NM_001324401.3); c.-91+26664C>A (NM_001324402.2); short protein forms Q53K.
Identifiers: ClinVar variation 2013884 (VCV002013884.4), dbSNP rs2116581752, ClinGen allele CA368968461.